The following is an entry in ClinVar:

ClinVar aggregate classification (germline): Conflicting classifications of pathogenicity. Review status: criteria provided, conflicting classifications (1 of 4 stars). 3 submissions from 3 submitters: Uncertain significance (2); Likely benign (1). Last evaluated 2024-06-14.

Conditions:
Global developmental delay - lung cysts - overgrowth - Wilms tumor syndrome. Also called: GLOW Syndrome; GLOBAL DEVELOPMENTAL DELAY, LUNG CYSTS, OVERGROWTH, AND WILMS TUMOR. Identifiers: Orphanet 404476, MedGen C4748924, MONDO:0018445, OMIM 618272.
DICER1-related tumor predisposition. Also called: DICER1-related pleuropulmonary blastoma cancer predisposition syndrome; DICER1 syndrome. Identifiers: Orphanet 284343, MedGen C3839822, MONDO:0100216.
Hereditary cancer-predisposing syndrome. Also called: Tumor predisposition; Neoplastic Syndromes, Hereditary; Hereditary Cancer Syndrome; Hereditary neoplastic syndrome. Identifiers: Orphanet 140162, MedGen C0027672, MeSH D009386, MONDO:0015356.

Allele frequency attached by ClinVar (database versions not stated): gnomAD exomes below 0.00001.
gnomAD v4.1: 3 of 1,614,196 alleles (0.00019%); highest among the groups gnomAD compares: Non-Finnish European, 0.00025%; no homozygotes.

Submissions (3):

Labcorp Genetics (formerly Invitae), Labcorp
Classification: Uncertain significance for DICER1-related tumor predisposition. Last evaluated: 2024-06-14. Review status: criteria provided, single submitter. Criteria: Invitae Variant Classification Sherloc (09022015). Collection method: clinical testing. Allele origin: germline.
Comment: This sequence change replaces lysine, which is basic and polar, with asparagine, which is neutral and polar, at codon 973 of the DICER1 protein (p.Lys973Asn). This variant is not present in population databases (gnomAD no frequency). This variant has not been reported in the literature in individuals affected with DICER1-related conditions. ClinVar contains an entry for this variant (Variation ID: 477121). Advanced modeling of protein sequence and biophysical properties (such as structural, functional, and spatial information, amino acid conservation, physicochemical variation, residue mobility, and thermodynamic stability) performed at Invitae indicates that this missense variant is not expected to disrupt DICER1 protein function with a negative predictive value of 80%. In summary, the available evidence is currently insufficient to determine the role of this variant in disease. Therefore, it has been classified as a Variant of Uncertain Significance.

Ambry Genetics
Classification: Likely benign for Hereditary cancer-predisposing syndrome. Last evaluated: 2023-10-25. Review status: criteria provided, single submitter. Criteria: Ambry Variant Classification Scheme 2023. Collection method: clinical testing. Allele origin: germline.

Baylor Genetics
Classification: Uncertain significance for Global developmental delay - lung cysts - overgrowth - Wilms tumor syndrome. Last evaluated: 2023-10-02. Review status: criteria provided, single submitter. Criteria: ACMG Guidelines, 2015. Collection method: clinical testing. Allele origin: unknown.

NM_177438.3(DICER1):c.2919A>C (p.Lys973Asn)

Gene: DICER1 (dicer 1, ribonuclease III; minus strand). Cytogenetic location: 14q32.13.
Variant type: single nucleotide variant.
Coding change: c.2919A>C on transcript NM_177438.3 (MANE Select); coding-DNA position 2919, A replaced by C.
Protein change: p.Lys973Asn; replaces lysine 973 with asparagine.
Molecular consequence: missense variant.
Genome position (GRCh38, 1-based): chr14:95,106,109, T>G on the plus strand (A>C on the coding strand, the complement: DICER1 is on the minus strand). VCF-style: chr14-95106109-T-G. GRCh37 (hg19) VCF-style: chr14-95572446-T-G.
Other names: c.2919A>C, p.Lys973Asn (NM_001195573.1, NM_001271282.3, NM_001291628.2 and 1 more transcripts); short protein forms K973N.
Identifiers: ClinVar variation 477121 (VCV000477121.13), dbSNP rs1555370297, ClinGen allele CA390878951.